The following is an entry in ClinVar:

NM_000719.7(CACNA1C):c.661G>A (p.Ala221Thr)

Gene: CACNA1C (calcium voltage-gated channel subunit alpha1 C; plus strand). Cytogenetic location: 12p13.33.
Variant type: single nucleotide variant.
Coding change: c.661G>A on transcript NM_000719.7 (MANE Select); coding-DNA position 661, G replaced by A.
Protein change: p.Ala221Thr; replaces alanine 221 with threonine.
Molecular consequence: missense variant.
Genome position (GRCh38, 1-based): chr12:2,457,610, G>A. VCF-style: chr12-2457610-G-A. GRCh37 (hg19) VCF-style: chr12-2566776-G-A.
Other names: c.661G>A, p.Ala221Thr (NM_001129827.2, NM_001129829.2, NM_001129830.3 and 19 more transcripts); short protein forms A221T.
Identifiers: ClinVar variation 2184087 (VCV002184087.4), dbSNP rs1414662102, ClinGen allele CA383367718.

ClinVar aggregate classification (germline): Uncertain significance (1 of 4 stars; one submission).

Conditions:
Long QT syndrome (LQTS). Identifiers: MedGen C0023976, MeSH D008133, MONDO:0002442. Disease mechanism: loss of function. Inheritance: Various modes of inheritance.

Allele frequency attached by ClinVar (database versions not stated): gnomAD exomes below 0.00001; TOPMed below 0.00001.
gnomAD v4.1: 1 of 1,613,236 alleles (0.000062%); highest among the groups gnomAD compares: Non-Finnish European, 0.000085%; no homozygotes.

Submission:

Labcorp Genetics (formerly Invitae), Labcorp
Classification: Uncertain significance for Long QT syndrome. Last evaluated: 2022-09-15. Review status: criteria provided, single submitter. Criteria: Invitae Variant Classification Sherloc (09022015). Collection method: clinical testing. Allele origin: germline.
Comment: This sequence change replaces alanine, which is neutral and non-polar, with threonine, which is neutral and polar, at codon 221 of the CACNA1C protein (p.Ala221Thr). This variant is not present in population databases (gnomAD no frequency). This variant has not been reported in the literature in individuals affected with CACNA1C-related conditions. Advanced modeling of protein sequence and biophysical properties (such as structural, functional, and spatial information, amino acid conservation, physicochemical variation, residue mobility, and thermodynamic stability) performed at Invitae indicates that this missense variant is not expected to disrupt CACNA1C protein function. In summary, the available evidence is currently insufficient to determine the role of this variant in disease. Therefore, it has been classified as a Variant of Uncertain Significance.